The following is an entry in ClinVar:

NM_001172303.3(MASTL):c.*51T>A

Genes: ACBD5 (acyl-CoA binding domain containing 5; minus strand), MASTL (microtubule associated serine/threonine kinase like; plus strand). Cytogenetic location: 10p12.1.
Variant type: single nucleotide variant.
Coding change: c.*51T>A on transcript NM_001172303.3 (MANE Select); 51 bases downstream of the stop codon, T replaced by A.
Molecular consequence: 3 prime UTR variant. On other transcripts: non-coding transcript variant (1), intron variant (1).
Genome position (GRCh38, 1-based): chr10:27,186,587, T>A. VCF-style: chr10-27186587-T-A. GRCh37 (hg19) VCF-style: chr10-27475516-T-A.
Other names: c.*51T>A (NM_001172304.3, NM_001320756.2, NM_001320757.2 and 3 more transcripts); c.1566-2272A>T (NM_001352570.1).
Identifiers: ClinVar variation 878515 (VCV000878515.6), dbSNP rs752083792, ClinGen allele CA5450497.

ClinVar aggregate classification (germline): Likely benign (1 of 4 stars; one submission).

Conditions:
Thrombocytopenia. Identifiers: MedGen C0040034, MeSH D013921, MONDO:0002049, HP:0001873.

Allele frequency attached by ClinVar (database versions not stated): TOPMed 0.00002; gnomAD 0.00003; gnomAD exomes 0.00005 and 0.00004; ExAC 0.00005.
gnomAD v4.1: 66 of 1,447,928 alleles (0.0046%); highest among the groups gnomAD compares: Non-Finnish European, 0.0063%; no homozygotes.

Submission:

Illumina Laboratory Services, Illumina
Classification: Likely benign for Thrombocytopenia. Last evaluated: 2018-01-12. Review status: criteria provided, single submitter. Criteria: ICSL Variant Classification Criteria 13 December 2019. Collection method: clinical testing. Allele origin: germline.
Comment: This variant was observed in the ICSL laboratory as part of a predisposition screen in an ostensibly healthy population. It had not been previously curated by ICSL or reported in the Human Gene Mutation Database (HGMD: prior to June 1st, 2018), and was therefore a candidate for classification through an automated scoring system. Utilizing variant allele frequency, disease prevalence and penetrance estimates, and inheritance mode, an automated score was calculated to assess if this variant is too frequent to cause the disease. Based on the score and internal cut-off values, a variant classified as likely benign is not then subjected to further curation. The score for this variant resulted in a classification of likely benign for this disease.